The following is an entry in ClinVar:

ClinVar aggregate classification (germline): Pathogenic (1 of 4 stars; one submission).

Conditions:
Familial intrahepatic cholestasis. Identifiers: Orphanet 284385, MedGen CN296401, MONDO:0017290.

Submission:

Genomenon, Inc
Classification: Pathogenic for Familial intrahepatic cholestasis. Last evaluated: 2026-04-14. Review status: criteria provided, single submitter. Criteria: Genomenon Sequence Variant Interpretation Standards - Updated. Collection method: curation. Allele origin: germline. Affected: yes.
Comment: ATP8B1 p.Glu244LysfsTer29 (c.727del) is a frameshift variant that results in the production of a truncated protein which is predicted to undergo nonsense-mediated mRNA decay. This variant has been observed in at least one proband with features of ATP8B1-deficiency (PMID:29104077). It is absent or not present at a significant frequency in gnomAD. In conclusion, we classify ATP8B1 p.Glu244LysfsTer29 (c.727del) as a pathogenic variant.

Literature cited by the submitters: PubMed 29104077.

NM_001374385.1(ATP8B1):c.727del (p.Glu244fs)

Gene: ATP8B1 (ATPase phospholipid transporting 8B1; minus strand). Cytogenetic location: 18q21.31.
Variant type: Deletion.
Coding change: c.727del on transcript NM_001374385.1 (MANE Select); coding-DNA position 727, one base deleted (C; older notation c.727delC).
Protein change: p.Glu244fs; shifts the reading frame from glutamic acid 244.
Molecular consequence: frameshift variant.
Genome position (GRCh38, 1-based): chr18:57,695,504, G deleted on the plus strand (C on the coding strand, the reverse complement: ATP8B1 is on the minus strand). VCF-style (leftmost placement, unchanged base first): chr18-57695503-AG-A. GRCh37 (hg19) VCF-style: chr18-55362735-AG-A.
Other names: c.577del, p.Glu194fs (NM_001374386.1); c.727del, p.Glu244fs (NM_005603.6); short protein forms E194fs, E244fs.
Identifiers: ClinVar variation 4845950 (VCV004845950.1).